The following is an entry in ClinVar:

ClinVar aggregate classification (germline): Uncertain significance (1 of 4 stars; one submission).

gnomAD v4.1: 4 of 1,204,743 alleles (0.00033%); highest among the groups gnomAD compares: Non-Finnish European, 0.00034%; no homozygotes.

Submission:

Labcorp Genetics (formerly Invitae), Labcorp
Classification: Uncertain significance. Last evaluated: 2025-09-22. Review status: criteria provided, single submitter. Criteria: Invitae Variant Classification Sherloc (09022015). Collection method: clinical testing. Allele origin: germline.
Comment: This sequence change replaces arginine, which is basic and polar, with glutamine, which is neutral and polar, at codon 750 of the BRWD3 protein (p.Arg750Gln). This variant is present in population databases (no rsID available, gnomAD 0.006%), including at least one homozygous and/or hemizygous individual. This variant has not been reported in the literature in individuals affected with BRWD3-related conditions. Invitae Evidence Modeling of protein sequence and biophysical properties (such as structural, functional, and spatial information, amino acid conservation, physicochemical variation, residue mobility, and thermodynamic stability) has been performed for this missense variant. However, the output from this modeling did not meet the statistical confidence thresholds required to predict the impact of this variant on BRWD3 protein function. In summary, the available evidence is currently insufficient to determine the role of this variant in disease. Therefore, it has been classified as a Variant of Uncertain Significance.

NM_153252.5(BRWD3):c.2249G>A (p.Arg750Gln)

Gene: BRWD3 (bromodomain and WD repeat domain containing 3; minus strand). Cytogenetic location: Xq21.1.
Variant type: single nucleotide variant.
Coding change: c.2249G>A on transcript NM_153252.5 (MANE Select); coding-DNA position 2249, G replaced by A.
Protein change: p.Arg750Gln; replaces arginine 750 with glutamine.
Molecular consequence: missense variant.
Genome position (GRCh38, 1-based): chrX:80,716,233, C>T on the plus strand (G>A on the coding strand, the complement: BRWD3 is on the minus strand). VCF-style: chrX-80716233-C-T. GRCh37 (hg19) VCF-style: chrX-79971732-C-T.
Other names: c.2249G>A, p.Arg750Gln (NM_001441339.1); short protein forms R750Q.
Identifiers: ClinVar variation 4702828 (VCV004702828.1).
Genomic context (GRCh38, chrX:80,716,233, plus strand): 5'-GATGGCTTTTTCTTCTTTTCAACTGTATAAAGACTGATTTCTATGTCACCTTTTGCAGTT[C>T]GACATTCTTCCTGTACCCTAATAACAAGTCAAAGGTCAAAGTAACAGAAAATCAAGAAGA-3'
Protein context (NP_694984.5, residues 740-760): NGVSRVQEEC[Arg750Gln]TAKGDIEISL